The following is an entry in ClinVar:

ClinVar aggregate classification (germline): Uncertain significance (1 of 4 stars; one submission).

Conditions:
Hereditary pancreatitis (PCTT). Also called: PRSS1-Related Hereditary Pancreatitis; Hereditary chronic pancreatitis. Identifiers: Orphanet 676, MedGen C0238339, MONDO:0008185, OMIM 167800.

Allele frequency attached by ClinVar (database versions not stated): ExAC 0.00001; gnomAD 0.00001; gnomAD exomes 0.00001; 1000 Genomes Project 0.00020; 1000 Genomes Project 30x 0.00031.
gnomAD v4.1: 8 of 1,614,172 alleles (0.0005%); highest among the groups gnomAD compares: East Asian, 0.0022%; no homozygotes.

Submission:

Ambry Genetics
Classification: Uncertain significance for Hereditary pancreatitis. Last evaluated: 2024-11-11. Review status: criteria provided, single submitter. Criteria: Ambry Variant Classification Scheme 2023. Collection method: clinical testing. Allele origin: germline.
Comment: The p.Y316C variant (also known as c.947A>G), located in coding exon 8 of the CPA1 gene, results from an A to G substitution at nucleotide position 947. The tyrosine at codon 316 is replaced by cysteine, an amino acid with highly dissimilar properties. This amino acid position is conserved. In addition, the in silico prediction for this alteration is inconclusive. Since supporting evidence is limited at this time, the clinical significance of this alteration remains unclear.

NM_001868.4(CPA1):c.947A>G (p.Tyr316Cys)

Gene: CPA1 (carboxypeptidase A1; plus strand). Cytogenetic location: 7q32.2.
Variant type: single nucleotide variant.
Coding change: c.947A>G on transcript NM_001868.4 (MANE Select); coding-DNA position 947, A replaced by G.
Protein change: p.Tyr316Cys; replaces tyrosine 316 with cysteine.
Molecular consequence: missense variant.
Genome position (GRCh38, 1-based): chr7:130,385,305, A>G. VCF-style: chr7-130385305-A-G. GRCh37 (hg19) VCF-style: chr7-130025146-A-G.
Other names: short protein forms Y316C.
Identifiers: ClinVar variation 1767084 (VCV001767084.3), dbSNP rs199883384, ClinGen allele CA4484995.